The following is an entry in ClinVar:

ClinVar aggregate classification (germline): Uncertain significance (1 of 4 stars; one submission).

Conditions:
Shprintzen-Goldberg syndrome (SGS). Also called: SHPRINTZEN-GOLDBERG CRANIOSYNOSTOSIS SYNDROME; CRANIOSYNOSTOSIS WITH ARACHNODACTYLY AND ABDOMINAL HERNIAS; Marfanoid disorder with craniosynostosis type 1; Marfanoid craniosynostosis syndrome; Shprintzen-Goldberg marfanoid syndrome. Identifiers: Orphanet 2462, MedGen C1321551, MONDO:0008426, OMIM 182212.

Allele frequency attached by ClinVar (database versions not stated): gnomAD exomes below 0.00001.
gnomAD v4.1: 1 of 1,613,898 alleles (0.000062%); highest among the groups gnomAD compares: South Asian, 0.0011%; no homozygotes.

Submission:

Labcorp Genetics (formerly Invitae), Labcorp
Classification: Uncertain significance for Shprintzen-Goldberg syndrome. Last evaluated: 2020-09-09. Review status: criteria provided, single submitter. Criteria: Invitae Variant Classification Sherloc (09022015). Collection method: clinical testing. Allele origin: germline.
Comment: In summary, the available evidence is currently insufficient to determine the role of this variant in disease. Therefore, it has been classified as a Variant of Uncertain Significance. Advanced modeling of protein sequence and biophysical properties (such as structural, functional, and spatial information, amino acid conservation, physicochemical variation, residue mobility, and thermodynamic stability) performed at Invitae indicates that this missense variant is not expected to disrupt SKI protein function. This variant has not been reported in the literature in individuals with SKI-related conditions. This variant is not present in population databases (ExAC no frequency). This sequence change replaces proline with serine at codon 384 of the SKI protein (p.Pro384Ser). The proline residue is moderately conserved and there is a moderate physicochemical difference between proline and serine.

NM_003036.4(SKI):c.1150C>T (p.Pro384Ser)

Gene: SKI (SKI proto-oncogene; plus strand). Cytogenetic location: 1p36.32.
Variant type: single nucleotide variant.
Coding change: c.1150C>T on transcript NM_003036.4 (MANE Select); coding-DNA position 1150, C replaced by T.
Protein change: p.Pro384Ser; replaces proline 384 with serine.
Molecular consequence: missense variant.
Genome position (GRCh38, 1-based): chr1:2,303,339, C>T. VCF-style: chr1-2303339-C-T. GRCh37 (hg19) VCF-style: chr1-2234778-C-T.
Other names: short protein forms P384S.
Identifiers: ClinVar variation 1014555 (VCV001014555.8), dbSNP rs1242691039, ClinGen allele CA337954489.
Genomic context (GRCh38, chr1:2,303,339, plus strand): 5'-CGACAGAGCCTGGGCTGTGTTCACCCTCGCCAGCGCCTCTCTGCTTTCCGACCCTGGTCC[C>T]CCGCAGTGTCAGCGAGTGAGAAAGAGCTCTCCCCACACCTCCCGGCCCTCATCCGAGACA-3'
Protein context (NP_003027.1, residues 374-394): QRLSAFRPWS[Pro384Ser]AVSASEKELS